The following is an entry in ClinVar:

ClinVar aggregate classification (germline): Conflicting classifications of pathogenicity. Review status: criteria provided, conflicting classifications (1 of 4 stars). 3 submissions from 3 submitters: Likely pathogenic (1); Uncertain significance (2). Last evaluated 2025-12-01.

Conditions:
Hypertrophic cardiomyopathy 4. Also called: Familial hypertrophic cardiomyopathy 4. Identifiers: MedGen C1861862, MONDO:0007268, OMIM 115197.
Hypertrophic cardiomyopathy. Also called: HYPERTROPHIC MYOCARDIOPATHY. Identifiers: Orphanet 217569, MedGen C0007194, MeSH D002312, MONDO:0005045, HP:0001639.
Cardiovascular phenotype. Identifiers: MedGen CN230736.

Allele frequency attached by ClinVar (database versions not stated): gnomAD 0.00001.
gnomAD v4.1: 6 of 1,612,084 alleles (0.00037%); highest among the groups gnomAD compares: South Asian, 0.0022%; no homozygotes.

Submissions (3):

Labcorp Genetics (formerly Invitae), Labcorp
Classification: Uncertain significance for Hypertrophic cardiomyopathy. Last evaluated: 2025-12-01. Review status: criteria provided, single submitter. Criteria: Invitae Variant Classification Sherloc (09022015). Collection method: clinical testing. Allele origin: germline.
Comment: This sequence change replaces proline, which is neutral and non-polar, with threonine, which is neutral and polar, at codon 371 of the MYBPC3 protein (p.Pro371Thr). This variant is not present in population databases (gnomAD no frequency). This variant has not been reported in the literature in individuals affected with MYBPC3-related conditions. ClinVar contains an entry for this variant (Variation ID: 1522267). An algorithm developed to predict the effect of missense changes on protein structure and function (PolyPhen-2) suggests that this variant is likely to be disruptive. This variant disrupts the p.Pro371 amino acid residue in MYBPC3. Other variant(s) that disrupt this residue have been observed in individuals with MYBPC3-related conditions (PMID: 32830170, 35208637), which suggests that this may be a clinically significant amino acid residue. In summary, the available evidence is currently insufficient to determine the role of this variant in disease. Therefore, it has been classified as a Variant of Uncertain Significance.

Genomic Medicine Center of Excellence, King Faisal Specialist Hospital and Research Centre
Classification: Likely pathogenic for Hypertrophic cardiomyopathy 4. Last evaluated: 2025-09-10. Review status: criteria provided, single submitter. Criteria: ACMG Guidelines, 2015. Collection method: clinical testing. Allele origin: germline.

Ambry Genetics
Classification: Uncertain significance for Cardiovascular phenotype. Last evaluated: 2022-12-04. Review status: criteria provided, single submitter. Criteria: Ambry Variant Classification Scheme 2023. Collection method: clinical testing. Allele origin: germline.
Comment: The p.P371T variant (also known as c.1111C>A), located in coding exon 13 of the MYBPC3 gene, results from a C to A substitution at nucleotide position 1111. The proline at codon 371 is replaced by threonine, an amino acid with highly similar properties. This amino acid position is conserved. In addition, the in silico prediction for this alteration is inconclusive. Since supporting evidence is limited at this time, the clinical significance of this alteration remains unclear.

Literature cited by the submitters: PubMed 32830170 (cited by Labcorp Genetics (formerly Invitae), Labcorp); PubMed 35208637 (cited by Labcorp Genetics (formerly Invitae), Labcorp).

NM_000256.3(MYBPC3):c.1111C>A (p.Pro371Thr)

Gene: MYBPC3 (myosin binding protein C3; minus strand). Cytogenetic location: 11p11.2.
Variant type: single nucleotide variant.
Coding change: c.1111C>A on transcript NM_000256.3 (MANE Select); coding-DNA position 1111, C replaced by A.
Protein change: p.Pro371Thr; replaces proline 371 with threonine.
Molecular consequence: missense variant.
Genome position (GRCh38, 1-based): chr11:47,343,604, G>T on the plus strand (C>A on the coding strand, the complement: MYBPC3 is on the minus strand). VCF-style: chr11-47343604-G-T. GRCh37 (hg19) VCF-style: chr11-47365155-G-T.
Other names: short protein forms P371T.
Identifiers: ClinVar variation 1522267 (VCV001522267.9), dbSNP rs1003833483, ClinGen allele CA221697755.